The following is an entry in ClinVar:

NM_002907.4(RECQL):c.1477T>C (p.Cys493Arg)

Gene: RECQL (RecQ like helicase; minus strand). Cytogenetic location: 12p12.1.
Variant type: single nucleotide variant.
Coding change: c.1477T>C on transcript NM_002907.4 (MANE Select); coding-DNA position 1477, T replaced by C.
Protein change: p.Cys493Arg; replaces cysteine 493 with arginine.
Molecular consequence: missense variant.
Genome position (GRCh38, 1-based): chr12:21,471,618, A>G on the plus strand (T>C on the coding strand, the complement: RECQL is on the minus strand). VCF-style: chr12-21471618-A-G. GRCh37 (hg19) VCF-style: chr12-21624552-A-G.
Other names: c.1477T>C, p.Cys493Arg (NM_032941.3); short protein forms C493R.
Identifiers: ClinVar variation 1773482 (VCV001773482.3), dbSNP rs2540322484, ClinGen allele CA384116336.

ClinVar aggregate classification (germline): Uncertain significance (1 of 4 stars; one submission).

Allele frequency attached by ClinVar (database versions not stated): gnomAD exomes below 0.00001.

Submission:

Ambry Genetics
Classification: Uncertain significance. Last evaluated: 2025-09-28. Review status: criteria provided, single submitter. Criteria: Ambry Variant Classification Scheme 2023. Collection method: clinical testing. Allele origin: germline.
Comment: The p.C493R variant (also known as c.1477T>C), located in coding exon 12 of the RECQL gene, results from a T to C substitution at nucleotide position 1477. The cysteine at codon 493 is replaced by arginine, an amino acid with highly dissimilar properties. This amino acid position is well conserved in available vertebrate species. In addition, the in silico prediction for this alteration is inconclusive. Since supporting evidence is limited at this time, the clinical significance of this alteration remains unclear.